The following is an entry in ClinVar:

ClinVar aggregate classification (germline): Uncertain significance (1 of 4 stars; one submission).

Allele frequency attached by ClinVar (database versions not stated): ExAC 0.00001; TOPMed 0.00001.

Submission:

Labcorp Genetics (formerly Invitae), Labcorp
Classification: Uncertain significance. Last evaluated: 2023-09-01. Review status: criteria provided, single submitter. Criteria: Invitae Variant Classification Sherloc (09022015). Collection method: clinical testing. Allele origin: germline.
Comment: Advanced modeling of protein sequence and biophysical properties (such as structural, functional, and spatial information, amino acid conservation, physicochemical variation, residue mobility, and thermodynamic stability) has been performed at Invitae for this missense variant, however the output from this modeling did not meet the statistical confidence thresholds required to predict the impact of this variant on SCN3A protein function. In summary, the available evidence is currently insufficient to determine the role of this variant in disease. Therefore, it has been classified as a Variant of Uncertain Significance. This variant has not been reported in the literature in individuals affected with SCN3A-related conditions. This variant is present in population databases (rs556383202, gnomAD 0.007%). This sequence change replaces alanine, which is neutral and non-polar, with threonine, which is neutral and polar, at codon 57 of the SCN3A protein (p.Ala57Thr).

NM_006922.4(SCN3A):c.169G>A (p.Ala57Thr)

Gene: SCN3A (sodium voltage-gated channel alpha subunit 3; minus strand). Cytogenetic location: 2q24.3.
Variant type: single nucleotide variant.
Coding change: c.169G>A on transcript NM_006922.4 (MANE Select); coding-DNA position 169, G replaced by A.
Protein change: p.Ala57Thr; replaces alanine 57 with threonine.
Molecular consequence: missense variant.
Genome position (GRCh38, 1-based): chr2:165,176,226, C>T on the plus strand (G>A on the coding strand, the complement: SCN3A is on the minus strand). VCF-style: chr2-165176226-C-T. GRCh37 (hg19) VCF-style: chr2-166032736-C-T.
Other names: c.169G>A, p.Ala57Thr (NM_001081676.2, NM_001081677.2); short protein forms A57T.
Identifiers: ClinVar variation 2751075 (VCV002751075.3), dbSNP rs556383202, ClinGen allele CA1939494.
Genomic context (GRCh38, chr2:165,176,226, plus strand): 5'-GGGGCTCTGACACCATCTCTGGAGGAATGTCTCCATAAATAAATGGAAGGTTCTTTCCAG[C>T]TTCCAAGTCACTATTTGGCTTTGGTTTGTTCTCATCATCATTATCTTGTTCCTTTTTGGG-3'
Protein context (NP_008853.3, residues 47-67): NKPKPNSDLE[Ala57Thr]GKNLPFIYGD